The following is an entry in ClinVar:

ClinVar aggregate classification (germline): Uncertain significance (1 of 4 stars; one submission).

Allele frequency attached by ClinVar (database versions not stated): gnomAD exomes below 0.00001; ExAC 0.00001.
gnomAD v4.1: 3 of 1,613,284 alleles (0.00019%); highest among the groups gnomAD compares: Non-Finnish European, 0.00025%; no homozygotes.

Submission:

Labcorp Genetics (formerly Invitae), Labcorp
Classification: Uncertain significance. Last evaluated: 2023-04-15. Review status: criteria provided, single submitter. Criteria: Invitae Variant Classification Sherloc (09022015). Collection method: clinical testing. Allele origin: germline.
Comment: In summary, the available evidence is currently insufficient to determine the role of this variant in disease. Therefore, it has been classified as a Variant of Uncertain Significance. Advanced modeling of protein sequence and biophysical properties (such as structural, functional, and spatial information, amino acid conservation, physicochemical variation, residue mobility, and thermodynamic stability) performed at Invitae indicates that this missense variant is not expected to disrupt MTOR protein function. This variant has not been reported in the literature in individuals affected with MTOR-related conditions. This variant is present in population databases (rs753077342, gnomAD 0.0009%). This sequence change replaces alanine, which is neutral and non-polar, with glycine, which is neutral and non-polar, at codon 576 of the MTOR protein (p.Ala576Gly).

NM_004958.4(MTOR):c.1727C>G (p.Ala576Gly)

Gene: MTOR (mechanistic target of rapamycin kinase; minus strand). Cytogenetic location: 1p36.22.
Variant type: single nucleotide variant.
Coding change: c.1727C>G on transcript NM_004958.4 (MANE Select); coding-DNA position 1727, C replaced by G.
Protein change: p.Ala576Gly; replaces alanine 576 with glycine.
Molecular consequence: missense variant.
Genome position (GRCh38, 1-based): chr1:11,240,362, G>C on the plus strand (C>G on the coding strand, the complement: MTOR is on the minus strand). VCF-style: chr1-11240362-G-C. GRCh37 (hg19) VCF-style: chr1-11300419-G-C.
Other names: c.1727C>G, p.Ala576Gly (NM_001386500.1); c.479C>G, p.Ala160Gly (NM_001386501.1); short protein forms A160G, A576G.
Identifiers: ClinVar variation 2856731 (VCV002856731.3), dbSNP rs753077342, ClinGen allele CA590658.